The following is an entry in ClinVar:

NM_001386140.1(MTTP):c.1326dup (p.Glu443Ter)

Gene: MTTP (microsomal triglyceride transfer protein; plus strand). Cytogenetic location: 4q23.
Variant type: Duplication.
Coding change: c.1326dup on transcript NM_001386140.1 (MANE Select); coding-DNA position 1326, one base duplicated (T; older notation c.1326dupT).
Protein change: p.Glu443Ter; replaces glutamic acid 443 with a stop codon.
Molecular consequence: nonsense.
Genome position (GRCh38, 1-based): chr4:99,601,696, T duplicated. VCF-style (leftmost placement, unchanged base first): chr4-99601695-A-AT. GRCh37 (hg19) VCF-style: chr4-100522852-A-AT.
Other names: c.1326dup, p.Glu443Ter (NM_000253.4); c.1077dup, p.Glu360Ter (NM_001300785.2); short protein forms E360*, E443*.
Identifiers: ClinVar variation 4817986 (VCV004817986.1).

ClinVar aggregate classification (germline): Likely pathogenic (1 of 4 stars; one submission).

Conditions:
Abetalipoproteinaemia (ABL). Also called: MTP DEFICIENCY; Abetalipoproteinemia; Abetalipoproteinemia neuropathy; Apolipoprotein B deficiency; Congenital betalipoprotein deficiency syndrome. Identifiers: Orphanet 14, MedGen C0000744, MONDO:0008692, OMIM 200100, HP:0008181.

Submission:

Natera, Inc.
Classification: Likely pathogenic for Abetalipoproteinemia. Last evaluated: 2024-10-14. Review status: criteria provided, single submitter. Criteria: Natera Variant Classification Schema (03/2026). Collection method: clinical testing. Allele origin: germline.
Comment: The c.1326dupT variant in MTTP is a frameshift variant predicted to shift the reading frame and introduce a stop codon. This variant is expected to result in nonsense mediated decay, truncation, or a dysfunctional protein product. This variant is rare in the general population with a frequency below the threshold expected for the associated phenotype(s). Given the available evidence, this variant is classified as Likely Pathogenic.